The following is an entry in ClinVar:

ClinVar aggregate classification (germline): Pathogenic/Likely pathogenic. Review status: criteria provided, multiple submitters, no conflicts (2 of 4 stars). 2 submissions from 2 submitters: Pathogenic (1); Likely pathogenic (1). Last evaluated 2025-07-21.

Conditions:
Renal-hepatic-pancreatic dysplasia 2 (RHPD2). Identifiers: MedGen C3809434, MONDO:0014174, OMIM 615415.
Nephronophthisis 9 (NPHP9). Identifiers: Orphanet 655, MedGen C3151188, MONDO:0013444, OMIM 613824.
Polycystic kidney disease 8. Identifiers: MedGen C5935640, MONDO:0971178, OMIM 620903.

gnomAD v4.1: 68 of 1,614,112 alleles (0.0042%); highest among the groups gnomAD compares: Non-Finnish European, 0.0053%; no homozygotes.

Submissions (2):

Victorian Clinical Genetics Services, Murdoch Childrens Research Institute
Classification: Pathogenic for Renal-hepatic-pancreatic dysplasia 2. Last evaluated: 2025-07-21. Review status: criteria provided, single submitter. Criteria: ACMG Guidelines, 2015. Collection method: clinical testing. Allele origin: germline. Affected: yes.
Comment: This variant is classified as Pathogenic. Evidence in support of pathogenic classification: Variant is predicted to cause nonsense-mediated decay (NMD) and loss of protein (premature termination codon is located at least 54 nucleotides upstream of the final exon-exon junction); Variant is present in gnomAD <0.01 (v4: 68 heterozygote(s), 0 homozygote(s)); This variant has limited previous evidence of pathogenicity in unrelated individual(s). This variant has been classified as likely pathogenic by a clinical laboratory in ClinVar with no zygosity provided, and reported in the literature in a compound heterozygous state in an individual with renal-hepatic-pancreatic dysplasia (PMID: 32773771); Other NMD-predicted variant(s) comparable to the one identified in this case have very strong previous evidence for pathogenicity (ClinVar). Additional information: This variant is heterozygous; This gene is associated with both recessive and dominant disease. All variant types have been reported in recessive disease. The emerging dominant association has only been reported in individuals with missense variants (PMID: 26967905, PanelApp); No published functional evidence has been identified for this variant; Loss of function is a known mechanism of disease and is associated with renal-hepatic-pancreatic dysplasia 2 (MIM#615415) and nephronophthisis 9 (MIM#613824). Gain of function is also a suggested mechanism of disease for these disorders. Dominant negative is a suggested mechanism of polycystic kidney disease 8 (MIM#620903); Variants in this gene are known to have variable expressivity (OMIM); Inheritance information for this variant is not currently available in this individual.

Fulgent Genetics
Classification: Likely pathogenic for Nephronophthisis 9; Renal-hepatic-pancreatic dysplasia 2; Polycystic kidney disease 8. Last evaluated: 2024-03-12. Review status: criteria provided, single submitter. Criteria: ACMG Guidelines, 2015. Collection method: clinical testing. Allele origin: germline.

Literature cited by the submitters: PubMed 26967905 (cited by Victorian Clinical Genetics Services, Murdoch Childrens Research Institute); PubMed 32773771 (cited by Victorian Clinical Genetics Services, Murdoch Childrens Research Institute).

NM_178170.3(NEK8):c.1495C>T (p.Arg499Ter)

Gene: NEK8 (NIMA related kinase 8; plus strand). Cytogenetic location: 17q11.2.
Variant type: single nucleotide variant.
Coding change: c.1495C>T on transcript NM_178170.3 (MANE Select); coding-DNA position 1495, C replaced by T.
Protein change: p.Arg499Ter; replaces arginine 499 with a stop codon.
Molecular consequence: nonsense.
Genome position (GRCh38, 1-based): chr17:28,740,540, C>T. VCF-style: chr17-28740540-C-T. GRCh37 (hg19) VCF-style: chr17-27067558-C-T.
Other names: short protein forms R499*.
Identifiers: ClinVar variation 3581785 (VCV003581785.3).